The following is an entry in ClinVar:

NM_002184.4(IL6ST):c.2053G>T (p.Asp685Tyr)

Gene: IL6ST (interleukin 6 cytokine family signal transducer; minus strand). Cytogenetic location: 5q11.2.
Variant type: single nucleotide variant.
Coding change: c.2053G>T on transcript NM_002184.4 (MANE Select); coding-DNA position 2053, G replaced by T.
Protein change: p.Asp685Tyr; replaces aspartic acid 685 with tyrosine.
Molecular consequence: missense variant. On other transcripts: 3 prime UTR variant (1), non-coding transcript variant (2).
Genome position (GRCh38, 1-based): chr5:55,941,786, C>A on the plus strand (G>T on the coding strand, the complement: IL6ST is on the minus strand). VCF-style: chr5-55941786-C-A. GRCh37 (hg19) VCF-style: chr5-55237614-C-A.
Other names: c.1186G>T, p.Asp396Tyr (NM_001364277.2); c.1150G>T, p.Asp384Tyr (NM_001364278.2); c.1057G>T, p.Asp353Tyr (NM_001364279.2); c.*980G>T (NM_175767.3); c.1870G>T, p.Asp624Tyr (NM_001190981.2); c.1951G>T, p.Asp651Tyr (NM_001364275.2); c.1843G>T, p.Asp615Tyr (NM_001364276.2); short protein forms D384Y, D396Y, D615Y, D353Y, D624Y, D651Y, D685Y.
Identifiers: ClinVar variation 3020576 (VCV003020576.3), dbSNP rs2533431415, ClinGen allele CA359780142.
Genomic context (GRCh38, chr5:55,941,786, plus strand): 5'-GAAAAGGCTTTTTGTCATTTGCTTCTATTTCCACAACACTTACATCAGTGAAATTGCCAT[C>A]TGAATACATTTGATCTTTTGAATTAAAATTGTGCTAAGGAAGAGAAAAAATTGTATATGG-3'
Protein context (NP_002175.2, residues 675-695): NFNSKDQMYS[Asp685Tyr]GNFTDVSVVE

ClinVar aggregate classification (germline): Uncertain significance (1 of 4 stars; one submission).

Submission:

Labcorp Genetics (formerly Invitae), Labcorp
Classification: Uncertain significance. Last evaluated: 2023-07-12. Review status: criteria provided, single submitter. Criteria: Invitae Variant Classification Sherloc (09022015). Collection method: clinical testing. Allele origin: germline.
Comment: In summary, the available evidence is currently insufficient to determine the role of this variant in disease. Therefore, it has been classified as a Variant of Uncertain Significance. An algorithm developed to predict the effect of missense changes on protein structure and function (PolyPhen-2) suggests that this variant is likely to be disruptive. This variant has not been reported in the literature in individuals affected with IL6ST-related conditions. This variant is not present in population databases (gnomAD no frequency). This sequence change replaces aspartic acid, which is acidic and polar, with tyrosine, which is neutral and polar, at codon 685 of the IL6ST protein (p.Asp685Tyr).